The following is an entry in ClinVar:

ClinVar aggregate classification (germline): Likely pathogenic (1 of 4 stars; one submission).

Conditions:
Cystic fibrosis (CF). Also called: MUCOVISCIDOSIS. Identifiers: Orphanet 586, MedGen C0010674, MONDO:0009061, OMIM 219700. Disease mechanism: loss of function.

Submission:

Myriad Genetics, Inc.
Classification: Likely pathogenic for Cystic fibrosis. Last evaluated: 2022-03-31. Review status: criteria provided, single submitter. Criteria: Myriad Women's Health Autosomal Recessive and X-Linked Classification Criteria (2021). Collection method: clinical testing. Allele origin: unknown.
Comment: NM_000492.3(CFTR):c.3782_3783delTG(L1261Qfs*3) is expected to be pathogenic in the context of cystic fibrosis. This variant is predicted to lead to an abnormal or absent protein product due to the creation of a premature termination codon in CFTR, a gene where loss-of-function variants are known to be pathogenic. Please note: this variant was assessed in the context of healthy population screening.

NM_000492.4(CFTR):c.3782_3783del (p.Leu1261fs)

Genes: CFTR (CF transmembrane conductance regulator; plus strand), CFTR-AS2 (CFTR antisense RNA 2; minus strand). Cytogenetic location: 7q31.2.
Variant type: Deletion.
Coding change: c.3782_3783del on transcript NM_000492.4 (MANE Select); coding-DNA positions 3782 to 3783, 2 bases deleted (TG; older notation c.3782_3783delTG).
Protein change: p.Leu1261fs; shifts the reading frame from leucine 1261.
Molecular consequence: frameshift variant.
Genome position (GRCh38, 1-based): chr7:117,642,502-117,642,503, TG deleted. VCF-style (leftmost placement, unchanged base first): chr7-117642501-CTG-C. GRCh37 (hg19) VCF-style: chr7-117282555-CTG-C.
Other names: short protein forms L1261fs.
Identifiers: ClinVar variation 1725679 (VCV001725679.2), dbSNP rs2485159928, ClinGen allele CA2580076346.
Genomic context (GRCh38, chr7:117,642,501, plus strand): 5'-GGCCTCTTGGGAAGAACTGGATCAGGGAAGAGTACTTTGTTATCAGCTTTTTTGAGACTA[CTG>C]AACACTGAAGGAGAAATCCAGATCGATGGTGTGTCTTGGGATTCAATAACTTTGCAACAG-3'